The following is an entry in ClinVar:

NM_006397.3(RNASEH2A):c.25G>A (p.Asp9Asn)

Genes: RNASEH2A (ribonuclease H2 subunit A; plus strand), LOC117038795 (CRISPRi-FlowFISH-validated PRDX2 regulatory element 4; plus strand). Cytogenetic location: 19p13.13.
Variant type: single nucleotide variant.
Coding change: c.25G>A on transcript NM_006397.3 (MANE Select); coding-DNA position 25, G replaced by A.
Protein change: p.Asp9Asn; replaces aspartic acid 9 with asparagine.
Molecular consequence: missense variant.
Genome position (GRCh38, 1-based): chr19:12,806,698, G>A. VCF-style: chr19-12806698-G-A. GRCh37 (hg19) VCF-style: chr19-12917512-G-A.
Other names: short protein forms D9N.
Identifiers: ClinVar variation 2088633 (VCV002088633.4), dbSNP rs2512888974, ClinGen allele CA404263084.

ClinVar aggregate classification (germline): Uncertain significance (1 of 4 stars; one submission).

Conditions:
Aicardi-Goutieres syndrome 4. Identifiers: Orphanet 51, MedGen C1835912, MONDO:0012472, OMIM 610333.

Submission:

Labcorp Genetics (formerly Invitae), Labcorp
Classification: Uncertain significance for Aicardi-Goutieres syndrome 4. Last evaluated: 2022-08-23. Review status: criteria provided, single submitter. Criteria: Invitae Variant Classification Sherloc (09022015). Collection method: clinical testing. Allele origin: germline.
Comment: This variant has not been reported in the literature in individuals affected with RNASEH2A-related conditions. In summary, the available evidence is currently insufficient to determine the role of this variant in disease. Therefore, it has been classified as a Variant of Uncertain Significance. Algorithms developed to predict the effect of missense changes on protein structure and function are either unavailable or do not agree on the potential impact of this missense change (SIFT: "Deleterious"; PolyPhen-2: "Benign"; Align-GVGD: "Class C0"). This variant is not present in population databases (gnomAD no frequency). This sequence change replaces aspartic acid, which is acidic and polar, with asparagine, which is neutral and polar, at codon 9 of the RNASEH2A protein (p.Asp9Asn).